The following is an entry in ClinVar:

ClinVar aggregate classification (germline): Uncertain significance (1 of 4 stars; one submission).

Conditions:
Bardet-Biedl syndrome (BBS). Identifiers: Orphanet 110, MedGen C0752166, MONDO:0015229.

Submission:

Labcorp Genetics (formerly Invitae), Labcorp
Classification: Uncertain significance for Bardet-Biedl syndrome. Last evaluated: 2022-06-22. Review status: criteria provided, single submitter. Criteria: Invitae Variant Classification Sherloc (09022015). Collection method: clinical testing. Allele origin: germline.
Comment: Algorithms developed to predict the effect of missense changes on protein structure and function are either unavailable or do not agree on the potential impact of this missense change (SIFT: "Deleterious"; PolyPhen-2: "Probably Damaging"; Align-GVGD: "Class C0"). This variant has not been reported in the literature in individuals affected with TTC8-related conditions. This variant is not present in population databases (gnomAD no frequency). This sequence change replaces alanine, which is neutral and non-polar, with threonine, which is neutral and polar, at codon 335 of the TTC8 protein (p.Ala335Thr). In summary, the available evidence is currently insufficient to determine the role of this variant in disease. Therefore, it has been classified as a Variant of Uncertain Significance.

NM_144596.4(TTC8):c.1033G>A (p.Ala345Thr)

Gene: TTC8 (tetratricopeptide repeat domain 8; plus strand). Cytogenetic location: 14q31.3.
Variant type: single nucleotide variant.
Coding change: c.1033G>A on transcript NM_144596.4 (MANE Select); coding-DNA position 1033, G replaced by A.
Protein change: p.Ala345Thr; replaces alanine 345 with threonine.
Molecular consequence: missense variant. On other transcripts: non-coding transcript variant (1).
Genome position (GRCh38, 1-based): chr14:88,870,182, G>A. VCF-style: chr14-88870182-G-A. GRCh37 (hg19) VCF-style: chr14-89336526-G-A.
Other names: c.1081G>A, p.Ala361Thr (NM_001288781.1); c.439G>A, p.Ala147Thr (NM_001288782.1); c.316G>A, p.Ala106Thr (NM_001288783.1); c.1003G>A, p.Ala335Thr (NM_001366535.2, NM_198309.3); c.913G>A, p.Ala305Thr (NM_001366536.2, NM_198310.3); short protein forms A106T, A305T, A147T, A335T, A345T, A361T.
Identifiers: ClinVar variation 1917759 (VCV001917759.5), dbSNP rs2546231519, ClinGen allele CA390550090.